The following is an entry in ClinVar:

ClinVar aggregate classification (germline): Uncertain significance. Review status: criteria provided, multiple submitters, no conflicts (2 of 4 stars). 6 submissions from 6 submitters: Uncertain significance (5). 1 of the submissions does not count toward it. Last evaluated 2025-08-11.

Conditions:
Familial cancer of breast. Also called: hereditary breast carcinoma; Hereditary breast cancer; BREAST CANCER, FAMILIAL. Identifiers: Orphanet 227535, MedGen C0346153, MONDO:0016419, OMIM 114480. Disease mechanism: loss of function.
Hereditary cancer-predisposing syndrome. Also called: Neoplastic Syndromes, Hereditary; Tumor predisposition; Hereditary Cancer Syndrome; Hereditary neoplastic syndrome. Identifiers: Orphanet 140162, MedGen C0027672, MeSH D009386, MONDO:0015356.

gnomAD v4.1: 1 of 1,614,214 alleles (0.000062%); highest among the groups gnomAD compares: Non-Finnish European, 0.000085%; no homozygotes.

Submissions (6):

Labcorp Genetics (formerly Invitae), Labcorp
Classification: Uncertain significance for Familial cancer of breast. Last evaluated: 2025-08-11. Review status: criteria provided, single submitter. Criteria: Invitae Variant Classification Sherloc (09022015). Collection method: clinical testing. Allele origin: germline.
Comment: This sequence change replaces isoleucine, which is neutral and non-polar, with valine, which is neutral and non-polar, at codon 429 of the PALB2 protein (p.Ile429Val). This variant is not present in population databases (gnomAD no frequency). This missense change has been observed in individual(s) with breast cancer (PMID: 25186627). ClinVar contains an entry for this variant (Variation ID: 648799). Invitae Evidence Modeling of protein sequence and biophysical properties (such as structural, functional, and spatial information, amino acid conservation, physicochemical variation, residue mobility, and thermodynamic stability) indicates that this missense variant is not expected to disrupt PALB2 protein function with a negative predictive value of 80%. In summary, the available evidence is currently insufficient to determine the role of this variant in disease. Therefore, it has been classified as a Variant of Uncertain Significance.

Ambry Genetics
Classification: Uncertain significance for Hereditary cancer-predisposing syndrome. Last evaluated: 2023-10-20. Review status: criteria provided, single submitter. Criteria: Ambry Variant Classification Scheme 2023. Collection method: clinical testing. Allele origin: germline.
Comment: The p.I429V variant (also known as c.1285A>G), located in coding exon 4 of the PALB2 gene, results from an A to G substitution at nucleotide position 1285. The isoleucine at codon 429 is replaced by valine, an amino acid with highly similar properties. In one study, this alteration was detected in 1/1781 patients referred for BRCA1/2 gene testing and 0/377 with significant personal and family history who had previously tested negative for BRCA1/2 mutations, and the study authors classified p.I429V as a low risk variant of unknown significance (Tung N et al. Cancer, 2015 Jan;121:25-33). This amino acid position is highly conserved in available vertebrate species. In addition, this alteration is predicted to be tolerated by in silico analysis. Since supporting evidence is limited at this time, the clinical significance of this alteration remains unclear.

Color Diagnostics, LLC DBA Color Health
Classification: Uncertain significance for Hereditary cancer-predisposing syndrome. Last evaluated: 2023-06-28. Review status: criteria provided, single submitter. Criteria: ACMG Guidelines, 2015. Collection method: clinical testing. Allele origin: germline.
Comment: This missense variant replaces isoleucine with valine at codon 429 of the PALB2 protein. Computational prediction suggests that this variant may not impact protein structure and function (internally defined REVEL score threshold <= 0.5, PMID: 27666373). To our knowledge, functional studies have not been reported for this variant. This variant has been reported in an individual affected with breast cancer (PMID: 25186627). This variant has not been identified in the general population by the Genome Aggregation Database (gnomAD). The available evidence is insufficient to determine the role of this variant in disease conclusively. Therefore, this variant is classified as a Variant of Uncertain Significance.

Sema4
Classification: Uncertain significance for Hereditary cancer-predisposing syndrome. Last evaluated: 2022-01-25. Review status: criteria provided, single submitter. Criteria: Sema4 Curation Guidelines. Collection method: curation. Allele origin: germline.
Comment: The PALB2 c.1285A>G (p.I429V) variant has been reported in 1 individual with breast cancer (PMID 25186627). This variant is not reported in the large and broad cohorts of the Genome Aggregation Database (PMID: 32461654). This variant has been reported in ClinVar (Variation ID 648799). Functional studies have not been performed, and in silico predictions of the variant's effect on protein function are inconclusive. The overall evidence is insufficient to meet ACMG/AMP criteria for classifying it as benign or pathogenic. In summary, the clinical significance of this variant is currently uncertain.

GeneDx
Classification: Uncertain significance. Last evaluated: 2019-08-22. Review status: criteria provided, single submitter. Criteria: GeneDx Variant Classification Process June 2021. Collection method: clinical testing. Allele origin: germline. Affected: yes.
Comment: Not observed in large population cohorts (Lek 2016); In silico analysis, which includes protein predictors and evolutionary conservation, supports that this variant does not alter protein structure/function; Has not been previously published as pathogenic or benign to our knowledge

Leiden Open Variation Database
Classification: Likely benign for Familial cancer of breast. Last evaluated: 2019-05-13. Review status: no assertion criteria provided. Collection method: curation. Allele origin: germline. Affected: yes. Not counted in ClinVar's aggregate classification.
Comment: Curators: Marc Tischkowitz, Arleen D. Auerbach. Submitter to LOVD: Marc Tischkowitz.

Literature cited by the submitters: PubMed 25186627 (cited by 5 submitters).

NM_024675.4(PALB2):c.1285A>G (p.Ile429Val)

Gene: PALB2 (partner and localizer of BRCA2; minus strand). Cytogenetic location: 16p12.2.
Variant type: single nucleotide variant.
Coding change: c.1285A>G on transcript NM_024675.4 (MANE Select); coding-DNA position 1285, A replaced by G.
Protein change: p.Ile429Val; replaces isoleucine 429 with valine.
Molecular consequence: missense variant.
Genome position (GRCh38, 1-based): chr16:23,635,261, T>C on the plus strand (A>G on the coding strand, the complement: PALB2 is on the minus strand). VCF-style: chr16-23635261-T-C. GRCh37 (hg19) VCF-style: chr16-23646582-T-C.
Other names: short protein forms I429V.
Identifiers: ClinVar variation 648799 (VCV000648799.17), dbSNP rs1555461360, ClinGen allele CA395132551.
Genomic context (GRCh38, chr16:23,635,261, plus strand): 5'-TACTTGCATCCTTATTTTTATTTTTAAACCCTTTTTTCTTGACATCCAAATGACTCTGAA[T>C]GACAGCCTCCACGGCTACTTTCCTCTGGCAATTGGACATGCTTCGTGTTGTTCTAACATA-3'
Protein context (NP_078951.2, residues 419-439): CQRKVAVEAV[Ile429Val]QSHLDVKKKG